The following is an entry in ClinVar:

NM_019109.5(ALG1):c.1025A>C (p.Gln342Pro)

Gene: ALG1 (ALG1 chitobiosyldiphosphodolichol beta-mannosyltransferase; plus strand). Cytogenetic location: 16p13.3.
Variant type: single nucleotide variant.
Coding change: c.1025A>C on transcript NM_019109.5 (MANE Select); coding-DNA position 1025, A replaced by C.
Protein change: p.Gln342Pro; replaces glutamine 342 with proline.
Molecular consequence: missense variant.
Genome position (GRCh38, 1-based): chr16:5,081,009, A>C. VCF-style: chr16-5081009-A-C. GRCh37 (hg19) VCF-style: chr16-5131010-A-C.
Other names: E342P; c.692A>C, p.Gln231Pro (NM_001330504.2); c.1025A>C (NM_019109.4); short protein forms Q342P, Q231P.
Identifiers: ClinVar variation 4725 (VCV000004725.51), dbSNP rs267606651, ClinGen allele CA277940.
Genomic context (GRCh38, chr16:5,081,009, plus strand): 5'-AAGGGCCTCTGAGGGAGTATTATAGCCGCCTCATCCACCAGAAGCACTTCCAGCACATCC[A>C]GGTCTGCACCCCCTGGCTGGAGGCCGAGGACTACCCCCTGCTTCTAGGTGAGAGGCCAGC-3'
Protein context (NP_061982.3, residues 332-352): LIHQKHFQHI[Gln342Pro]VCTPWLEAED

ClinVar aggregate classification (germline): Pathogenic/Likely pathogenic. Review status: criteria provided, multiple submitters, no conflicts (2 of 4 stars). 5 submissions from 5 submitters: Pathogenic (1); Likely pathogenic (3). 1 of the submissions does not count toward it. Last evaluated 2026-05-29.

Conditions:
Inborn genetic diseases. Identifiers: MedGen C0950123, MeSH D030342.
ALG1-congenital disorder of glycosylation. Also called: CONGENITAL DISORDER OF GLYCOSYLATION, TYPE Ik; CDG Ik; ALG1-CDG. Identifiers: Orphanet 79327, MedGen C2931005, MONDO:0012052, OMIM 608540.

Allele frequency attached by ClinVar (database versions not stated): gnomAD exomes below 0.00001 and 0.00004; ExAC 0.00001.
gnomAD v4.1: 61 of 1,583,738 alleles (0.0039%); highest among the groups gnomAD compares: Non-Finnish European, 0.0051%; no homozygotes.

Submissions (5):

Victorian Clinical Genetics Services, Murdoch Childrens Research Institute
Classification: Likely pathogenic for ALG1-congenital disorder of glycosylation. Last evaluated: 2026-05-29. Review status: criteria provided, single submitter. Criteria: ACMG Guidelines, 2015. Collection method: clinical testing. Allele origin: germline. Affected: no.
Comment: This variant is classified as Likely pathogenic. Evidence in support of pathogenic classification: Variant is present in gnomAD <0.01 for a recessive condition (v4: 61 heterozygote(s), 0 homozygote(s)); This variant has moderate previous evidence of pathogenicity in unrelated individuals. This variant has been classified as pathogenic and likely pathogenic by clinical laboratories in ClinVar, and reported in the literature in a compound heterozygous infant with type Ik congenital disorder of glycosylation (PMID: 14973782); This variant has moderate functional evidence supporting abnormal protein function. Functional studies have demonstrated this variant leads to drastically reduced enzyme activity in E.coli and fails to restore the growth phenotype in ALG1-deficient yeast cells (PMID: 14973782, PMID: 27670784). Additional information: Variant is predicted to result in a missense amino acid change from Gln to Pro; This variant is heterozygous; This gene is associated with autosomal recessive disease; No published evidence of segregation with disease has been identified for this variant; No comparable missense variants have previous evidence for pathogenicity; Variant is located in the annotated glycosyl transferases group 1 domain (DECIPHER); Missense variant with inconclusive in silico prediction and uninformative conservation; Loss of function is a known mechanism of disease in this gene and is associated with type Ik congenital disorder of glycosylation (MIM#608540).

Labcorp Genetics (formerly Invitae), Labcorp
Classification: Likely pathogenic for ALG1-congenital disorder of glycosylation. Last evaluated: 2023-06-28. Review status: criteria provided, single submitter. Criteria: Invitae Variant Classification Sherloc (09022015). Collection method: clinical testing. Allele origin: germline.
Comment: In summary, the currently available evidence indicates that the variant is pathogenic, but additional data are needed to prove that conclusively. Therefore, this variant has been classified as Likely Pathogenic. This sequence change replaces glutamine, which is neutral and polar, with proline, which is neutral and non-polar, at codon 342 of the ALG1 protein (p.Gln342Pro). This variant is present in population databases (rs267606651, gnomAD 0.0009%). This missense change has been observed in individual(s) with congenital disorder of glycosylation type 1K (PMID: 14973782). In at least one individual the data is consistent with being in trans (on the opposite chromosome) from a pathogenic variant. ClinVar contains an entry for this variant (Variation ID: 4725). Advanced modeling of protein sequence and biophysical properties (such as structural, functional, and spatial information, amino acid conservation, physicochemical variation, residue mobility, and thermodynamic stability) performed at Invitae indicates that this missense variant is not expected to disrupt ALG1 protein function. Experimental studies have shown that this missense change affects ALG1 function (PMID: 14973782).

Ambry Genetics
Classification: Likely pathogenic for Inborn genetic diseases. Last evaluated: 2022-12-28. Review status: criteria provided, single submitter. Criteria: Ambry Variant Classification Scheme 2023. Collection method: clinical testing. Allele origin: germline.
Comment: The c.1025A>C (p.Q342P) alteration is located in exon 10 (coding exon 10) of the ALG1 gene. This alteration results from an A to C substitution at nucleotide position 1025, causing the glutamine (Q) at amino acid position 342 to be replaced by a proline (P). Based on data from gnomAD, the C allele has an overall frequency of <0.001% (1/233530) total alleles studied. The highest observed frequency was 0.001% (1/108578) of European (non-Finnish) alleles. This variant has been reported in trans with another ALG1 variant in an individual diagnosed with ALG1-related congenital disorder of glycosylation (Kranz, 2004). This amino acid position is not well conserved in available vertebrate species. Functional studies indicate this variant significantly impairs beta-mannosyltransferase activity and is unable to complement ALG1-deficient yeast cells (Li, 2017; Kranz, 2004). The in silico prediction for this alteration is inconclusive. Based on the available evidence, this alteration is classified as likely pathogenic.

CeGaT Center for Human Genetics Tuebingen
Classification: Pathogenic. Last evaluated: 2021-10-01. Review status: criteria provided, single submitter. Criteria: CeGaT Center For Human Genetics Tuebingen Variant Classification Criteria Version 2. Collection method: clinical testing. Allele origin: germline. Affected: yes. Observed: 3 variant alleles.

OMIM
Classification: Pathogenic for CONGENITAL DISORDER OF GLYCOSYLATION, TYPE Ik. Last evaluated: 2004-03-01. Review status: no assertion criteria provided. Collection method: literature only. Allele origin: germline. Not counted in ClinVar's aggregate classification.

Literature cited by the submitters: PubMed 27670784 (cited by Victorian Clinical Genetics Services, Murdoch Childrens Research Institute and Ambry Genetics); PubMed 14973782 (cited by 4 submitters).